The following is an entry in ClinVar:

ClinVar aggregate classification (germline): Uncertain significance (1 of 4 stars; one submission).

Conditions:
Cowden syndrome 3 (CWS3). Identifiers: Orphanet 201, MedGen CN166604, MONDO:0014045.
Carney-Stratakis syndrome. Also called: PARAGANGLIOMA AND GASTROINTESTINAL STROMAL TUMOR. Identifiers: Orphanet 97286, MedGen C1847319, MONDO:0011740, OMIM 606864.
Pheochromocytoma. Also called: MAX-Related Hereditary Paraganglioma-Pheochromocytoma Syndrome. Identifiers: Orphanet 29072, MedGen C0031511, MONDO:0008233, OMIM 171300, HP:0002666.
Paragangliomas with sensorineural hearing loss. Identifiers: MedGen C1868633.

gnomAD v4.1: 1 of 1,611,868 alleles (0.000062%); highest among the groups gnomAD compares: Non-Finnish European, 0.000085%; no homozygotes.

Submission:

Labcorp Genetics (formerly Invitae), Labcorp
Classification: Uncertain significance for Carney-Stratakis syndrome; Paragangliomas with sensorineural hearing loss; Pheochromocytoma; Cowden syndrome 3. Last evaluated: 2023-08-18. Review status: criteria provided, single submitter. Criteria: Invitae Variant Classification Sherloc (09022015). Collection method: clinical testing. Allele origin: germline.
Comment: This sequence change replaces alanine, which is neutral and non-polar, with valine, which is neutral and non-polar, at codon 130 of the SDHD protein (p.Ala130Val). In summary, the available evidence is currently insufficient to determine the role of this variant in disease. Therefore, it has been classified as a Variant of Uncertain Significance. Algorithms developed to predict the effect of missense changes on protein structure and function output the following: SIFT: "Not Available"; PolyPhen-2: "Benign"; Align-GVGD: "Not Available". The valine amino acid residue is found in multiple mammalian species, which suggests that this missense change does not adversely affect protein function. This variant has not been reported in the literature in individuals affected with SDHD-related conditions. This variant is not present in population databases (gnomAD no frequency).

NM_003002.4(SDHD):c.389C>T (p.Ala130Val)

Gene: SDHD (succinate dehydrogenase complex subunit D; plus strand). Cytogenetic location: 11q23.1.
Variant type: single nucleotide variant.
Coding change: c.389C>T on transcript NM_003002.4 (MANE Select); coding-DNA position 389, C replaced by T.
Protein change: p.Ala130Val; replaces alanine 130 with valine.
Molecular consequence: missense variant. On other transcripts: 3 prime UTR variant (1), non-coding transcript variant (1).
Genome position (GRCh38, 1-based): chr11:112,094,879, C>T. VCF-style: chr11-112094879-C-T. GRCh37 (hg19) VCF-style: chr11-111965603-C-T.
Other names: c.244C>T, p.His82Tyr (NM_001276503.2); c.272C>T, p.Ala91Val (NM_001276504.2); c.*87C>T (NM_001276506.2); short protein forms A130V, A91V, H82Y.
Identifiers: ClinVar variation 2933102 (VCV002933102.3), dbSNP rs1049692537, ClinGen allele CA382619153.
Genomic context (GRCh38, chr11:112,094,879, plus strand): 5'-TTGTTACTGACTATGTTCATGGGGATGCCTTGCAGAAAGCTGCCAAGGCAGGGCTTTTGG[C>T]ACTTTCAGCTTTAACCTTTGCTGGGCTTTGCTATTTCAACTATCACGATGTGGGCATCTG-3'
Protein context (NP_002993.1, residues 120-140): LQKAAKAGLL[Ala130Val]LSALTFAGLC